The following is an entry in ClinVar:

NM_001060.6(TBXA2R):c.46A>G (p.Asn16Asp)

Gene: TBXA2R (thromboxane A2 receptor; minus strand). Cytogenetic location: 19p13.3.
Variant type: single nucleotide variant.
Coding change: c.46A>G on transcript NM_001060.6 (MANE Select); coding-DNA position 46, A replaced by G.
Protein change: p.Asn16Asp; replaces asparagine 16 with aspartic acid.
Molecular consequence: missense variant.
Genome position (GRCh38, 1-based): chr19:3,600,589, T>C on the plus strand (A>G on the coding strand, the complement: TBXA2R is on the minus strand). VCF-style: chr19-3600589-T-C. GRCh37 (hg19) VCF-style: chr19-3600587-T-C.
Other names: c.46A>G, p.Asn16Asp (NM_201636.3); short protein forms N16D.
Identifiers: ClinVar variation 3666648 (VCV003666648.4).

ClinVar aggregate classification (germline): Uncertain significance. Review status: criteria provided, multiple submitters, no conflicts (2 of 4 stars). 3 submissions from 3 submitters: Uncertain significance (3). Last evaluated 2026-01-01.

Conditions:
Bleeding disorder, platelet-type, 13, susceptibility to (BDPLT13). Also called: BLEEDING DISORDER, SUSCEPTIBILITY TO, DUE TO DEFECTIVE PLATELET THROMBOXANE A2 RECEPTOR. Identifiers: MedGen C3279614, MONDO:0800447, OMIM 614009.
Inborn genetic diseases. Identifiers: MedGen C0950123, MeSH D030342.

gnomAD v4.1: 9 of 1,612,438 alleles (0.00056%); highest among the groups gnomAD compares: Non-Finnish European, 0.00076%; no homozygotes.

Submissions (3):

Labcorp Genetics (formerly Invitae), Labcorp
Classification: Uncertain significance. Last evaluated: 2026-01-01. Review status: criteria provided, single submitter. Criteria: Invitae Variant Classification Sherloc (09022015). Collection method: clinical testing. Allele origin: germline.
Comment: This sequence change replaces asparagine, which is neutral and polar, with aspartic acid, which is acidic and polar, at codon 16 of the TBXA2R protein (p.Asn16Asp). This variant is present in population databases (rs775471553, gnomAD 0.0009%). This variant has not been reported in the literature in individuals affected with TBXA2R-related conditions. ClinVar contains an entry for this variant (Variation ID: 3666648). An algorithm developed to predict the effect of missense changes on protein structure and function (PolyPhen-2) suggests that this variant is likely to be disruptive. In summary, the available evidence is currently insufficient to determine the role of this variant in disease. Therefore, it has been classified as a Variant of Uncertain Significance.

Genomic Medicine Center of Excellence, King Faisal Specialist Hospital and Research Centre
Classification: Uncertain significance for Bleeding disorder, platelet-type, 13, susceptibility to. Last evaluated: 2025-09-10. Review status: criteria provided, single submitter. Criteria: ACMG Guidelines, 2015. Collection method: clinical testing. Allele origin: germline.

Ambry Genetics
Classification: Uncertain significance for Inborn genetic diseases. Last evaluated: 2025-06-24. Review status: criteria provided, single submitter. Criteria: Ambry Variant Classification Scheme 2023. Collection method: clinical testing. Allele origin: germline.